The following is an entry in ClinVar:

ClinVar aggregate classification (germline): Benign/Likely benign. Review status: criteria provided, multiple submitters, no conflicts (2 of 4 stars). 4 submissions from 4 submitters: Benign (3); Likely benign (1). Last evaluated 2026-02-04.

Conditions:
Merosin deficient congenital muscular dystrophy (MDC1A). Also called: Congenital Muscular Dystrophy Type 1A (MDC1A); Congenital merosin-deficient muscular dystrophy 1A. Identifiers: Orphanet 258, MedGen C1263858, MONDO:0011925, OMIM 607855.
Muscular dystrophy, limb-girdle, autosomal recessive 23. Identifiers: Orphanet 565837, MedGen C4748327, MONDO:0029136, OMIM 618138.
LAMA2-related muscular dystrophy (LAMA2-RD). Also called: Laminin alpha 2-related dystrophy. Identifiers: MedGen C5679788, MONDO:0100228.

Allele frequency attached by ClinVar (database versions not stated): gnomAD exomes 0.00054 and 0.00143; ExAC 0.00176; gnomAD 0.00585 and 0.00635; 1000 Genomes Project 0.00599; 1000 Genomes Project 30x 0.00609; TOPMed 0.00685; ESP Exome Variant Server 0.00738.
gnomAD v4.1: 1,702 of 1,614,134 alleles (0.11%); highest among the groups gnomAD compares: African/African-American, 2.1%; 17 homozygotes.

Submissions (4):

Labcorp Genetics (formerly Invitae), Labcorp
Classification: Benign for LAMA2-related muscular dystrophy. Last evaluated: 2026-02-04. Review status: criteria provided, single submitter. Criteria: Invitae Variant Classification Sherloc (09022015). Collection method: clinical testing. Allele origin: germline.

Mayo Clinic Laboratories, Mayo Clinic
Classification: Benign. Last evaluated: 2022-03-17. Review status: criteria provided, single submitter. Criteria: ACMG Guidelines, 2015. Collection method: clinical testing. Allele origin: germline. Observed: 7 variant alleles.
Comment: BS1, BS2

Fulgent Genetics
Classification: Likely benign for Merosin deficient congenital muscular dystrophy; Muscular dystrophy, limb-girdle, autosomal recessive 23. Last evaluated: 2021-10-08. Review status: criteria provided, single submitter. Criteria: ACMG Guidelines, 2015. Collection method: clinical testing. Allele origin: unknown.

GeneDx
Classification: Benign. Last evaluated: 2016-07-27. Review status: criteria provided, single submitter. Criteria: GeneDx Variant Classification (06012015). Collection method: clinical testing. Allele origin: germline. Affected: yes.
Comment: This variant is considered likely benign or benign based on one or more of the following criteria: it is a conservative change, it occurs at a poorly conserved position in the protein, it is predicted to be benign by multiple in silico algorithms, and/or has population frequency not consistent with disease.

NM_000426.4(LAMA2):c.8774C>T (p.Pro2925Leu)

Gene: LAMA2 (laminin subunit alpha 2; plus strand). Cytogenetic location: 6q22.33.
Variant type: single nucleotide variant.
Coding change: c.8774C>T on transcript NM_000426.4 (MANE Select); coding-DNA position 8774, C replaced by T.
Protein change: p.Pro2925Leu; replaces proline 2925 with leucine.
Molecular consequence: missense variant.
Genome position (GRCh38, 1-based): chr6:129,507,559, C>T. VCF-style: chr6-129507559-C-T. GRCh37 (hg19) VCF-style: chr6-129828704-C-T.
Other names: p.Pro2925Leu; c.8762C>T, p.Pro2921Leu (NM_001079823.2); short protein forms P2925L, P2921L.
Identifiers: ClinVar variation 385982 (VCV000385982.14), dbSNP rs77113162, ClinGen allele CA3994917.
Genomic context (GRCh38, chr6:129,507,559, plus strand): 5'-GCATTGATGGCTGCGTCAGGAATCTCCACATGGCAGAGGCCCCTGCCGATCTGGAACAAC[C>T]CACCTCCAGCTTCCATGTTGGGACATGTTTTGCAAATGCTCAGAGGGGAACATATTTTGA-3'
Protein context (NP_000417.3, residues 2915-2935): MAEAPADLEQ[Pro2925Leu]TSSFHVGTCF